The following is an entry in ClinVar:

ClinVar aggregate classification (germline): Uncertain significance (1 of 4 stars; one submission).

Conditions:
Emery-Dreifuss muscular dystrophy 4, autosomal dominant (EDMD4). Also called: EMERY-DREIFUSS MUSCULAR DYSTROPHY 4 WITH VARIABLE FEATURES. Identifiers: Orphanet 261, MedGen C2751807, MONDO:0013071, OMIM 612998.
Autosomal recessive ataxia, Beauce type. Also called: SYNE1 Deficiency; Spinocerebellar ataxia, autosomal recessive 8; ATAXIA, RECESSIVE, OF BEAUCE; SYNE1-Related Autosomal Recessive Cerebellar Ataxia. Identifiers: Orphanet 88644, MedGen C1853116, MONDO:0012549, OMIM 610743.

gnomAD v4.1: 1 of 1,613,486 alleles (0.000062%); highest among the groups gnomAD compares: Non-Finnish European, 0.000085%; no homozygotes.

Submission:

Labcorp Genetics (formerly Invitae), Labcorp
Classification: Uncertain significance for Emery-Dreifuss muscular dystrophy 4, autosomal dominant; Autosomal recessive ataxia, Beauce type. Last evaluated: 2021-09-23. Review status: criteria provided, single submitter. Criteria: Invitae Variant Classification Sherloc (09022015). Collection method: clinical testing. Allele origin: germline.
Comment: This sequence change replaces glutamic acid with glutamine at codon 1253 of the SYNE1 protein (p.Glu1253Gln). The glutamic acid residue is highly conserved and there is a small physicochemical difference between glutamic acid and glutamine. This variant is present in population databases (rs138915528, ExAC 0.002%). This variant has not been reported in the literature in individuals affected with SYNE1-related conditions. Algorithms developed to predict the effect of missense changes on protein structure and function are either unavailable or do not agree on the potential impact of this missense change (SIFT: "Deleterious"; PolyPhen-2: "Possibly Damaging"; Align-GVGD: "Class C0"). In summary, the available evidence is currently insufficient to determine the role of this variant in disease. Therefore, it has been classified as a Variant of Uncertain Significance.

NM_182961.4(SYNE1):c.3736G>C (p.Glu1246Gln)

Gene: SYNE1 (spectrin repeat containing nuclear envelope protein 1; minus strand). Cytogenetic location: 6q25.2.
Variant type: single nucleotide variant.
Coding change: c.3736G>C on transcript NM_182961.4 (MANE Select); coding-DNA position 3736, G replaced by C.
Protein change: p.Glu1246Gln; replaces glutamic acid 1246 with glutamine.
Molecular consequence: missense variant.
Genome position (GRCh38, 1-based): chr6:152,444,512, C>G on the plus strand (G>C on the coding strand, the complement: SYNE1 is on the minus strand). VCF-style: chr6-152444512-C-G. GRCh37 (hg19) VCF-style: chr6-152765647-C-G.
Other names: c.3757G>C, p.Glu1253Gln (NM_033071.5); short protein forms E1253Q, E1246Q.
Identifiers: ClinVar variation 1934659 (VCV001934659.2), dbSNP rs138915528, ClinGen allele CA4058759.
Genomic context (GRCh38, chr6:152,444,512, plus strand): 5'-CAGTATCCAAGATCTTCTCAGCTTGTTCCTGGACTTCTTTAGAGCCAGAAATTAATTCTT[C>G]GAGAGAATTTTTGACTATTTCTTTGTACTGGACACAGTCCCCAAAATTGCTTAGCATCTT-3'
Protein context (NP_892006.3, residues 1236-1256): QYKEIVKNSL[Glu1246Gln]ELISGSKEVQ